The following is an entry in ClinVar:

ClinVar aggregate classification (germline): Conflicting classifications of pathogenicity. Review status: criteria provided, conflicting classifications (1 of 4 stars). 10 submissions from 10 submitters: Uncertain significance (5); Benign (1); Likely benign (4). Last evaluated 2026-06-26.

Conditions:
SMAD4-related disorder. Also called: SMAD4-related condition; SMAD4-Related disorders.
Familial thoracic aortic aneurysm and aortic dissection (TAAD). Also called: Thoracic aortic aneurysms and dissections. Identifiers: Orphanet 91387, MedGen C4707243, MONDO:0019625.
Hereditary cancer-predisposing syndrome. Also called: Neoplastic Syndromes, Hereditary; Hereditary neoplastic syndrome; Hereditary Cancer Syndrome; Tumor predisposition. Identifiers: Orphanet 140162, MedGen C0027672, MeSH D009386, MONDO:0015356.
Juvenile polyposis syndrome (JPS). Identifiers: Orphanet 2929, MedGen C0345893, MONDO:0017380, OMIM 174900.
Juvenile polyposis/hereditary hemorrhagic telangiectasia syndrome (JPHT). Also called: JP/HHT SYNDROME; JUVENILE POLYPOSIS WITH HEREDITARY HEMORRHAGIC TELANGIECTASIA; Juvenile Polyposis Syndrome / Hereditary Hemorrhagic Telangiectasia (JPS/HHT); POLYPOSIS, GENERALIZED JUVENILE, WITH PULMONARY ARTERIOVENOUS MALFORMATION; TELANGIECTASIA, HEREDITARY HEMORRHAGIC, WITH JUVENILE POLYPOSIS COLI. Identifiers: Orphanet 2929, MedGen C1832942, MONDO:0008278, OMIM 175050.

Allele frequency attached by ClinVar (database versions not stated): gnomAD 0.00001 and 0.00002; ESP Exome Variant Server 0.00008.
gnomAD v4.1: 31 of 1,613,400 alleles (0.0019%); highest among the groups gnomAD compares: Admixed American, 0.0033%; no homozygotes.

Submissions (10):

PreventionGenetics, part of Exact Sciences
Classification: Likely benign for SMAD4-related condition. Last evaluated: 2026-06-26. Review status: criteria provided, single submitter. Criteria: ACMG Guidelines, 2015. Collection method: clinical testing. Allele origin: germline.
Comment: This variant is classified as likely benign based on ACMG/AMP sequence variant interpretation guidelines (Richards et al. 2015 PMID: 25741868, with internal and published modifications).

Labcorp Genetics (formerly Invitae), Labcorp
Classification: Likely benign for Juvenile polyposis syndrome. Last evaluated: 2026-01-28. Review status: criteria provided, single submitter. Criteria: Invitae Variant Classification Sherloc (09022015). Collection method: clinical testing. Allele origin: germline.

Women's Health and Genetics/Laboratory Corporation of America, LabCorp
Classification: Likely benign. Last evaluated: 2025-12-26. Review status: criteria provided, single submitter. Criteria: LabCorp Variant Classification Summary - May 2015. Collection method: clinical testing. Allele origin: germline.
Comment: Variant summary: SMAD4 c.884C>T (p.Pro295Leu) results in a non-conservative amino acid change in the encoded protein sequence. Algorithms developed to predict the effect of missense changes on protein structure and function all suggest that this variant is likely to be disruptive. The variant allele was found at a frequency of 1.9e-05 in 1613400 control chromosomes (gnomAD v4.1). The observed variant frequency exceeds the estimated maximal expected allele frequency for disease-causing variants in SMAD4. To our knowledge, no occurrence of c.884C>T in individuals affected with SMAD4-related conditions and no experimental evidence demonstrating its impact on protein function have been reported. ClinVar contains an entry for this variant (Variation ID: 240155). Based on the evidence outlined above, the variant was classified as likely benign.

Color Diagnostics, LLC DBA Color Health
Classification: Uncertain significance for Hereditary cancer-predisposing syndrome. Last evaluated: 2025-11-10. Review status: criteria provided, single submitter. Criteria: ACMG Guidelines, 2015. Collection method: clinical testing. Allele origin: germline.
Comment: This missense variant replaces proline with leucine at codon 295 of the SMAD4 protein. Computational prediction is inconclusive regarding the impact of this variant on protein structure and function. To our knowledge, functional studies have not been reported for this variant. This variant has not been reported in individuals affected with SMAD4-related disorders in the literature. This variant has been identified in 31/1613400 chromosomes in the general population by the Genome Aggregation Database (gnomAD). The available evidence is insufficient to determine the role of this variant in disease conclusively. Therefore, this variant is classified as a Variant of Uncertain Significance.

Laboratorio de I+D, Fundación Centro Médico de Asturias
Classification: Benign for Hereditary cancer-predisposing syndrome. Last evaluated: 2025-07-14. Review status: criteria provided, single submitter. Criteria: ACMG Guidelines, 2015. Collection method: clinical testing. Allele origin: germline.
Comment: BS1+BS2+BP4_Strong+BP1

All of Us Research Program, National Institutes of Health
Classification: Uncertain significance for Juvenile polyposis/hereditary hemorrhagic telangiectasia syndrome. Last evaluated: 2024-04-25. Review status: criteria provided, single submitter. Criteria: ACMG Guidelines, 2015. Collection method: clinical testing. Allele origin: germline. Inheritance: Autosomal dominant inheritance. Observed: 7 variant alleles, 7 heterozygotes.
Comment: This missense variant replaces proline with leucine at codon 295 of the SMAD4 protein. Computational prediction is inconclusive regarding the impact of this variant on protein structure and function (internally defined REVEL score threshold 0.5 < inconclusive < 0.7, PMID: 27666373). To our knowledge, functional studies have not been reported for this variant. This variant has not been reported in individuals affected with SMAD4-related disorders in the literature, and has been reported in unaffected individuals (PMID: 30267214, 32459922). This variant has been identified in 5/251480 chromosomes in the general population by the Genome Aggregation Database (gnomAD). The available evidence is insufficient to determine the role of this variant in disease conclusively. Therefore, this variant is classified as a Variant of Uncertain Significance.

This study involves interpretation of variants in research participants for the purpose of population health screening. Participant phenotype was not available at the time of variant classification. Additional details can be found in publication PMID: 35346344, PMCID: PMC8962531

GeneDx
Classification: Uncertain significance. Last evaluated: 2024-04-19. Review status: criteria provided, single submitter. Criteria: GeneDx Variant Classification Process June 2021. Collection method: clinical testing. Allele origin: germline. Affected: yes.
Comment: Not observed at significant frequency in large population cohorts (gnomAD); In silico analysis indicates that this missense variant does not alter protein structure/function; Has not been previously published as pathogenic or benign to our knowledge; This variant is associated with the following publications: (PMID: 30267214, 10636916)

ARUP Laboratories, Molecular Genetics and Genomics, ARUP Laboratories
Classification: Uncertain significance. Last evaluated: 2024-03-19. Review status: criteria provided, single submitter. Criteria: ARUP Molecular Germline Variant Investigation Process 2024. Collection method: clinical testing. Allele origin: germline.
Comment: The SMAD4 c.884C>T; p.Pro295Leu variant (rs370176106), to our knowledge, is not reported in the medical literature but is reported in ClinVar (Variation ID: 240155). This variant is found in the general population with an overall allele frequency of 0.002% (5/251,480 alleles) in the Genome Aggregation Database (v2.1.1). Computational analyses are uncertain whether this variant is neutral or deleterious (REVEL: 0.53). Due to limited information, the clinical significance of the p.Pro295Leu variant is uncertain at this time.

Baylor Genetics
Classification: Uncertain significance for Juvenile polyposis/hereditary hemorrhagic telangiectasia syndrome. Last evaluated: 2023-09-12. Review status: criteria provided, single submitter. Criteria: ACMG Guidelines, 2015. Collection method: clinical testing. Allele origin: unknown.

Ambry Genetics
Classification: Likely benign for Hereditary cancer-predisposing syndrome; Familial thoracic aortic aneurysm and aortic dissection. Last evaluated: 2022-11-01. Review status: criteria provided, single submitter. Criteria: Ambry Variant Classification Scheme 2023. Collection method: clinical testing. Allele origin: germline.

Literature cited by the submitters: PubMed 30267214 (cited by All of Us Research Program, National Institutes of Health); PubMed 32459922 (cited by All of Us Research Program, National Institutes of Health).

NM_005359.6(SMAD4):c.884C>T (p.Pro295Leu)

Gene: SMAD4 (SMAD family member 4; plus strand). Cytogenetic location: 18q21.2.
Variant type: single nucleotide variant.
Coding change: c.884C>T on transcript NM_005359.6 (MANE Select); coding-DNA position 884, C replaced by T.
Protein change: p.Pro295Leu; replaces proline 295 with leucine.
Molecular consequence: missense variant.
Genome position (GRCh38, 1-based): chr18:51,058,436, C>T. VCF-style: chr18-51058436-C-T. GRCh37 (hg19) VCF-style: chr18-48584806-C-T.
Other names: short protein forms P295L.
Identifiers: ClinVar variation 240155 (VCV000240155.33), dbSNP rs370176106, ClinGen allele CA8965916.
Genomic context (GRCh38, chr18:51,058,436, plus strand): 5'-CATACACACCTAATTTGCCTCACCACCAAAACGGCCATCTTCAGCACCACCCGCCTATGC[C>T]GCCCCATCCCGGACATTACTGTAAGCTCTTGTTTTTGTTGTAAGGGCTATTTTTTTTTTT-3'
Protein context (NP_005350.1, residues 285-305): NGHLQHHPPM[Pro295Leu]PHPGHYWPVH